The following is an entry in ClinVar:

NM_000142.5(FGFR3):c.577A>G (p.Arg193Gly)

Gene: FGFR3 (fibroblast growth factor receptor 3; plus strand). Cytogenetic location: 4p16.3.
Variant type: single nucleotide variant.
Coding change: c.577A>G on transcript NM_000142.5 (MANE Select); coding-DNA position 577, A replaced by G.
Protein change: p.Arg193Gly; replaces arginine 193 with glycine.
Molecular consequence: missense variant. On other transcripts: non-coding transcript variant (1).
Genome position (GRCh38, 1-based): chr4:1,801,498, A>G. VCF-style: chr4-1801498-A-G. GRCh37 (hg19) VCF-style: chr4-1803225-A-G.
Other names: c.577A>G, p.Arg193Gly (NM_001163213.2, NM_001354809.2, NM_001354810.2 and 1 more transcripts); short protein forms R193G.
Identifiers: ClinVar variation 3001732 (VCV003001732.3), dbSNP rs1467223293, ClinGen allele CA355975232.
Genomic context (GRCh38, chr4:1,801,498, plus strand): 5'-CGCTTCCGCTGCCCAGCCGCTGGCAACCCCACTCCCTCCATCTCCTGGCTGAAGAACGGC[A>G]GGGAGTTCCGCGGCGAGCACCGCATTGGAGGCATCAAGGTGGGCGCGGCGGGGTGGCTCT-3'
Protein context (NP_000133.1, residues 183-203): TPSISWLKNG[Arg193Gly]EFRGEHRIGG

ClinVar aggregate classification (germline): Uncertain significance (1 of 4 stars; one submission).

Allele frequency attached by ClinVar (database versions not stated): gnomAD exomes below 0.00001; TOPMed below 0.00001; gnomAD 0.00001.
gnomAD v4.1: 5 of 1,561,008 alleles (0.00032%); highest among the groups gnomAD compares: Non-Finnish European, 0.00043%; no homozygotes.

Submission:

Labcorp Genetics (formerly Invitae), Labcorp
Classification: Uncertain significance. Last evaluated: 2022-12-21. Review status: criteria provided, single submitter. Criteria: Invitae Variant Classification Sherloc (09022015). Collection method: clinical testing. Allele origin: germline.
Comment: Advanced modeling of protein sequence and biophysical properties (such as structural, functional, and spatial information, amino acid conservation, physicochemical variation, residue mobility, and thermodynamic stability) performed at Invitae indicates that this missense variant is not expected to disrupt FGFR3 protein function. This variant has not been reported in the literature in individuals affected with FGFR3-related conditions. This variant is not present in population databases (gnomAD no frequency). This sequence change replaces arginine, which is basic and polar, with glycine, which is neutral and non-polar, at codon 193 of the FGFR3 protein (p.Arg193Gly). In summary, the available evidence is currently insufficient to determine the role of this variant in disease. Therefore, it has been classified as a Variant of Uncertain Significance.